The following is an entry in ClinVar:

ClinVar aggregate classification (germline): Uncertain significance (1 of 4 stars; one submission).

Conditions:
Inborn genetic diseases. Identifiers: MedGen C0950123, MeSH D030342.

Submission:

Ambry Genetics
Classification: Uncertain significance for Inborn genetic diseases. Last evaluated: 2024-12-09. Review status: criteria provided, single submitter. Criteria: Ambry Variant Classification Scheme 2023. Collection method: clinical testing. Allele origin: germline.
Comment: The p.S765L variant (also known as c.2294C>T), located in coding exon 12 of the BMPR2 gene, results from a C to T substitution at nucleotide position 2294. The serine at codon 765 is replaced by leucine, an amino acid with dissimilar properties. This amino acid position is conserved. In addition, the in silico prediction for this alteration is inconclusive. Based on the available evidence, the clinical significance of this variant remains unclear.

NM_001204.7(BMPR2):c.2294C>T (p.Ser765Leu)

Gene: BMPR2 (bone morphogenetic protein receptor type 2; plus strand). Cytogenetic location: 2q33.2.
Variant type: single nucleotide variant.
Coding change: c.2294C>T on transcript NM_001204.7 (MANE Select); coding-DNA position 2294, C replaced by T.
Protein change: p.Ser765Leu; replaces serine 765 with leucine.
Molecular consequence: missense variant.
Genome position (GRCh38, 1-based): chr2:202,555,959, C>T. VCF-style: chr2-202555959-C-T. GRCh37 (hg19) VCF-style: chr2-203420682-C-T.
Other names: short protein forms S765L.
Identifiers: ClinVar variation 3481360 (VCV003481360.1).
Genomic context (GRCh38, chr2:202,555,959, plus strand): 5'-TCCCCAAGCAGCAGAACCTTCCCAAGAGACCTACTAGTTTGCCTTTGAACACCAAAAATT[C>T]AACAAAAGAGCCCCGGCTAAAATTTGGCAGCAAGCACAAATCAAACTTGAAACAAGTCGA-3'
Protein context (NP_001195.2, residues 755-775): PTSLPLNTKN[Ser765Leu]TKEPRLKFGS